The following is an entry in ClinVar:

NM_203446.3(SYNJ1):c.463G>A (p.Asp155Asn)

Gene: SYNJ1 (synaptojanin 1; minus strand). Cytogenetic location: 21q22.11.
Variant type: single nucleotide variant.
Coding change: c.463G>A on transcript NM_203446.3 (MANE Select); coding-DNA position 463, G replaced by A.
Protein change: p.Asp155Asn; replaces aspartic acid 155 with asparagine.
Molecular consequence: missense variant.
Genome position (GRCh38, 1-based): chr21:32,699,854, C>T on the plus strand (G>A on the coding strand, the complement: SYNJ1 is on the minus strand). VCF-style: chr21-32699854-C-T. GRCh37 (hg19) VCF-style: chr21-34072164-C-T.
Other names: c.463G>A, p.Asp155Asn (NM_001160302.2, NM_001160306.2); c.580G>A, p.Asp194Asn (NM_003895.4); short protein forms D155N, D194N.
Identifiers: ClinVar variation 1408777 (VCV001408777.6), dbSNP rs2146212159, ClinGen allele CA410101061.
Genomic context (GRCh38, chr21:32,699,854, plus strand): 5'-ACATATTATGTCCCAAATCACCAAAAGGGAAAAAATGAACTCACCAGAAAAATCTATTAT[C>T]AGTTGTCTGTTCTTGCATGCTACGATGCGCATTAAGACTCAAATCTAAACTGATGCCAGA-3'
Protein context (NP_982271.3, residues 145-165): AHRSMQEQTT[Asp155Asn]NRFFWNQSLH

ClinVar aggregate classification (germline): Uncertain significance (1 of 4 stars; one submission).

Conditions:
Developmental and epileptic encephalopathy, 53. Also called: Epileptic encephalopathy, early infantile, 53. Identifiers: MedGen C4479313, MONDO:0033362, OMIM 617389.
Early-onset Parkinson disease 20. Also called: PARKINSON DISEASE 20, AUTOSOMAL RECESSIVE EARLY-ONSET. Identifiers: Orphanet 391411, MedGen C3809824, MONDO:0014233, OMIM 615530.

Submission:

Labcorp Genetics (formerly Invitae), Labcorp
Classification: Uncertain significance for Developmental and epileptic encephalopathy, 53; Early-onset Parkinson disease 20. Last evaluated: 2021-11-24. Review status: criteria provided, single submitter. Criteria: Invitae Variant Classification Sherloc (09022015). Collection method: clinical testing. Allele origin: germline.
Comment: This variant has not been reported in the literature in individuals affected with SYNJ1-related conditions. This variant is not present in population databases (gnomAD no frequency). This sequence change replaces aspartic acid, which is acidic and polar, with asparagine, which is neutral and polar, at codon 194 of the SYNJ1 protein (p.Asp194Asn). Algorithms developed to predict the effect of missense changes on protein structure and function are either unavailable or do not agree on the potential impact of this missense change (SIFT: "Deleterious"; PolyPhen-2: "Probably Damaging"; Align-GVGD: "Class C15"). In summary, the available evidence is currently insufficient to determine the role of this variant in disease. Therefore, it has been classified as a Variant of Uncertain Significance.